The following is an entry in ClinVar:

NM_004006.3(DMD):c.5919A>C (p.Gln1973His)

Gene: DMD (dystrophin; minus strand). Cytogenetic location: Xp21.1.
Variant type: single nucleotide variant.
Coding change: c.5919A>C on transcript NM_004006.3 (MANE Select); coding-DNA position 5919, A replaced by C.
Protein change: p.Gln1973His; replaces glutamine 1973 with histidine.
Molecular consequence: missense variant.
Genome position (GRCh38, 1-based): chrX:32,342,103, T>G on the plus strand (A>C on the coding strand, the complement: DMD is on the minus strand). VCF-style: chrX-32342103-T-G. GRCh37 (hg19) VCF-style: chrX-32360220-T-G.
Other names: c.5895A>C, p.Gln1965His (NM_000109.4); c.5907A>C, p.Gln1969His (NM_004009.3); c.5550A>C, p.Gln1850His (NM_004010.3); c.1896A>C, p.Gln632His (NM_004011.4); c.1887A>C, p.Gln629His (NM_004012.4); short protein forms Q1973H, Q629H, Q632H, Q1850H, Q1965H, Q1969H.
Identifiers: ClinVar variation 2016641 (VCV002016641.4), dbSNP rs2097746569, ClinGen allele CA412664654.

ClinVar aggregate classification (germline): Uncertain significance (1 of 4 stars; one submission).

Conditions:
Duchenne muscular dystrophy (DMD). Also called: MUSCULAR DYSTROPHY, PSEUDOHYPERTROPHIC PROGRESSIVE, DUCHENNE TYPE; Duchenne Muscular Dystrophy (DMD). Identifiers: Orphanet 98896, MedGen C0013264, MONDO:0010679, OMIM 310200.

Submission:

Labcorp Genetics (formerly Invitae), Labcorp
Classification: Uncertain significance for Duchenne muscular dystrophy. Last evaluated: 2022-08-01. Review status: criteria provided, single submitter. Criteria: Invitae Variant Classification Sherloc (09022015). Collection method: clinical testing. Allele origin: germline.
Comment: This sequence change replaces glutamine, which is neutral and polar, with histidine, which is basic and polar, at codon 1973 of the DMD protein (p.Gln1973His). This variant is not present in population databases (gnomAD no frequency). In summary, the available evidence is currently insufficient to determine the role of this variant in disease. Therefore, it has been classified as a Variant of Uncertain Significance. Algorithms developed to predict the effect of missense changes on protein structure and function are either unavailable or do not agree on the potential impact of this missense change (SIFT: "Deleterious"; PolyPhen-2: "Benign"; Align-GVGD: "Class C0"). This variant has not been reported in the literature in individuals affected with DMD-related conditions.